The following is an entry in ClinVar:

NM_000238.4(KCNH2):c.2190G>A (p.Leu730=)

Gene: KCNH2 (potassium voltage-gated channel subfamily H member 2; minus strand). Cytogenetic location: 7q36.1.
Variant type: single nucleotide variant.
Coding change: c.2190G>A on transcript NM_000238.4 (MANE Select); coding-DNA position 2190, G replaced by A.
Protein change: p.Leu730=; no amino-acid change (leucine 730 retained).
Molecular consequence: synonymous variant. On other transcripts: non-coding transcript variant (2).
Genome position (GRCh38, 1-based): chr7:150,950,376, C>T on the plus strand (G>A on the coding strand, the complement: KCNH2 is on the minus strand). VCF-style: chr7-150950376-C-T. GRCh37 (hg19) VCF-style: chr7-150647464-C-T.
Other names: c.1170G>A, p.Leu390= (NM_001204798.2, NM_172057.3); c.1902G>A, p.Leu634= (NM_001406753.1, NM_001406756.1); c.2013G>A, p.Leu671= (NM_001406755.1); c.1890G>A, p.Leu630= (NM_001406757.1); c.2190G>A, p.Leu730= (NM_172056.3).
Identifiers: ClinVar variation 516112 (VCV000516112.11), dbSNP rs1401248493, ClinGen allele CA071115.

ClinVar aggregate classification (germline): Benign/Likely benign. Review status: criteria provided, multiple submitters, no conflicts (2 of 4 stars). 3 submissions from 3 submitters: Benign (1); Likely benign (2). Last evaluated 2025-12-21.

Conditions:
Long QT syndrome (LQTS). Identifiers: MedGen C0023976, MeSH D008133, MONDO:0002442. Disease mechanism: loss of function. Inheritance: Various modes of inheritance.
Short QT syndrome type 1. Identifiers: Orphanet 51083, MedGen C1865020, MONDO:0012312, OMIM 609620.
Long QT syndrome 2 (LQT2). Identifiers: Orphanet 101016, Orphanet 768, MedGen C3150943, MONDO:0013367, OMIM 613688.

Allele frequency attached by ClinVar (database versions not stated): gnomAD exomes below 0.00001; TOPMed below 0.00001; gnomAD 0.00001 and 0.00002.
gnomAD v4.1: 4 of 1,612,730 alleles (0.00025%); highest among the groups gnomAD compares: African/African-American, 0.004%; no homozygotes.

Submissions (3):

Labcorp Genetics (formerly Invitae), Labcorp
Classification: Likely benign for Long QT syndrome. Last evaluated: 2025-12-21. Review status: criteria provided, single submitter. Criteria: Invitae Variant Classification Sherloc (09022015). Collection method: clinical testing. Allele origin: germline.

Fulgent Genetics
Classification: Likely benign for Short QT syndrome type 1; Long QT syndrome 2. Last evaluated: 2021-09-09. Review status: criteria provided, single submitter. Criteria: ACMG Guidelines, 2015. Collection method: clinical testing. Allele origin: unknown.

GeneDx
Classification: Benign. Last evaluated: 2016-10-20. Review status: criteria provided, single submitter. Criteria: GeneDx Variant Classification (06012015). Collection method: clinical testing. Allele origin: germline. Affected: yes.
Comment: This variant is considered likely benign or benign based on one or more of the following criteria: it is a conservative change, it occurs at a poorly conserved position in the protein, it is predicted to be benign by multiple in silico algorithms, and/or has population frequency not consistent with disease.